The following is an entry in ClinVar:

NM_001844.5(COL2A1):c.2334C>T (p.Ala778=)

Gene: COL2A1 (collagen type II alpha 1 chain; minus strand). Cytogenetic location: 12q13.11.
Variant type: single nucleotide variant.
Coding change: c.2334C>T on transcript NM_001844.5 (MANE Select); coding-DNA position 2334, C replaced by T.
Protein change: p.Ala778=; no amino-acid change (alanine 778 retained).
Molecular consequence: synonymous variant.
Genome position (GRCh38, 1-based): chr12:47,982,128, G>A on the plus strand (C>T on the coding strand, the complement: COL2A1 is on the minus strand). VCF-style: chr12-47982128-G-A. GRCh37 (hg19) VCF-style: chr12-48375911-G-A.
Other names: c.2127C>T, p.Ala709= (NM_033150.3).
Identifiers: ClinVar variation 166926 (VCV000166926.63), dbSNP rs35504014, ClinGen allele CA233804.

ClinVar aggregate classification (germline): Benign/Likely benign. Review status: criteria provided, multiple submitters, no conflicts (2 of 4 stars). 18 submissions from 17 submitters: Benign (7); Likely benign (6). 5 of the submissions do not count toward it. Last evaluated 2026-07-01.

Conditions:
COL2A1-related disorder. Also called: COL2A1-related condition; COL2A1-related disorders.
Achondrogenesis type II (ACG2). Also called: CHONDROGENESIS IMPERFECTA; ACHONDROGENESIS, LANGER-SALDINO TYPE. Identifiers: Orphanet 932, Orphanet 93296, MedGen C0220685, MONDO:0008702, OMIM 200610.
Spondylometaphyseal dysplasia - Sutcliffe type. Also called: Spondylometaphyseal Dysplasia, Corner Fracture Type; Sutcliffe type of spondylometaphyseal dysplasia; Sutcliffe SMD; Spondylometaphyseal dysplasia, 'corner fracture' type. Identifiers: Orphanet 93315, MedGen C0432221, MONDO:0008479, OMIM 184255.
Kniest dysplasia. Identifiers: Orphanet 485, MedGen C0265279, MONDO:0007987, OMIM 156550.
Legg-Calve-Perthes disease. Also called: PERTHES DISEASE; Osteochondritis deformans; Coxa plana; Avascular necrosis of the capital femoral epiphysis. Identifiers: Orphanet 2380, MedGen C1442965, MONDO:0007885, OMIM 150600, HP:0005743.
Vitreoretinopathy with phalangeal epiphyseal dysplasia (VPED). Identifiers: MedGen C1852989, MONDO:0031001, OMIM 619248.
Spondyloepiphyseal dysplasia with metatarsal shortening. Also called: CZECH DYSPLASIA, METATARSAL TYPE; SPONDYLOEPIPHYSEAL DYSPLASIA WITH PRECOCIOUS OSTEOARTHRITIS; Pseudorheumatoid dysplasia progressive, with hypoplastic toes. Identifiers: Orphanet 137678, MedGen C1836683, MONDO:0012206, OMIM 609162.
Platyspondylic dysplasia, Torrance type (PLSDT). Identifiers: Orphanet 85166, MedGen C1835437, MONDO:0007895, OMIM 151210.
Spondyloperipheral dysplasia. Also called: SPONDYLOPERIPHERAL DYSPLASIA WITH SHORT ULNA; Spondyloperipheral dysplasia-short ulna syndrome. Identifiers: Orphanet 1856, MedGen C0796173, MONDO:0010078, OMIM 271700.
Stickler syndrome type 1 (STL1). Also called: ARTHROOPHTHALMOPATHY, HEREDITARY PROGRESSIVE; STICKLER SYNDROME, MEMBRANOUS VITREOUS TYPE; STICKLER SYNDROME, VITREOUS TYPE 1; COL2A1-Related Stickler Syndrome. Identifiers: Orphanet 828, Orphanet 90653, MedGen C2020284, MONDO:0007160, OMIM 108300.
Namaqualand hip dysplasia (OSCDP). Also called: Mild spondyloepiphyseal dysplasia due to COL2A1 mutation with early-onset osteoarthritis. Identifiers: Orphanet 93279, MedGen C0432214, MONDO:0011496, OMIM 604864.
Spondyloepiphyseal dysplasia, Stanescu type. Also called: SED, STANESCU TYPE; SPONDYLOEPIMETAPHYSEAL DYSPLASIA, STANESCU TYPE. Identifiers: Orphanet 459051, MedGen C4225273, MONDO:0014701, OMIM 616583.
Avascular necrosis of femoral head, primary, 1 (ANFH1). Also called: Avascular necrosis of femoral head, primary. Identifiers: Orphanet 86820, MedGen C4551562, MONDO:0054550, OMIM 608805.
Spondyloepimetaphyseal dysplasia, Strudwick type (SEMDSTWK). Also called: DAPPLED METAPHYSIS SYNDROME; STRUDWICK SYNDROME. Identifiers: Orphanet 93346, MedGen C0700635, MONDO:0008476, OMIM 184250.
Stickler syndrome, type I, nonsyndromic ocular. Also called: STICKLER SYNDROME, ATYPICAL; STICKLER SYNDROME, TYPE I, PREDOMINANTLY OCULAR. Identifiers: MedGen C1836080, MONDO:0012287, OMIM 609508.
Spondyloepiphyseal dysplasia congenita (SEDC). Also called: SED CONGENITA; SPONDYLOEPIPHYSEAL DYSPLASIA, CONGENITAL TYPE. Identifiers: Orphanet 94068, MedGen C2745959, MONDO:0008471, OMIM 183900.
Multiple epiphyseal dysplasia, Beighton type. Identifiers: Orphanet 166011, MedGen C1851536, MONDO:0007562, OMIM 132450.
Connective tissue disorder. Also called: Connective tissue disease. Identifiers: MedGen C0009782, MONDO:0003900.
Type 2 collagenopathy. Identifiers: Orphanet 93421, MedGen C2931073, MONDO:0022800.

Allele frequency attached by ClinVar (database versions not stated): 1000 Genomes Project 0.00080; 1000 Genomes Project 30x 0.00141; ExAC 0.00259; TOPMed 0.00264; gnomAD 0.00267 and 0.00278; gnomAD exomes 0.00277; ESP Exome Variant Server 0.00354.
gnomAD v4.1: 7,752 of 1,613,962 alleles (0.48%); highest among the groups gnomAD compares: Non-Finnish European, 0.61%; 22 homozygotes.

Submissions (18):

CeGaT Center for Human Genetics Tuebingen
Classification: Benign. Last evaluated: 2026-07-01. Review status: criteria provided, single submitter. Criteria: CeGaT Center For Human Genetics Tuebingen Variant Classification Criteria Version 2. Collection method: clinical testing. Allele origin: germline. Affected: yes. Observed: 7 variant alleles.
Comment: COL2A1: BP4, BP7, BS1, BS2

Labcorp Genetics (formerly Invitae), Labcorp
Classification: Benign. Last evaluated: 2026-02-01. Review status: criteria provided, single submitter. Criteria: Invitae Variant Classification Sherloc (09022015). Collection method: clinical testing. Allele origin: germline.

Blueprint Genetics
Classification: Likely benign. Last evaluated: 2024-11-26. Review status: criteria provided, single submitter. Criteria: ACMG Guidelines, 2015. Collection method: clinical testing. Allele origin: germline.

ARUP Laboratories, Molecular Genetics and Genomics, ARUP Laboratories
Classification: Benign. Last evaluated: 2023-10-03. Review status: criteria provided, single submitter. Criteria: ARUP Molecular Germline Variant Investigation Process 2024. Collection method: clinical testing. Allele origin: germline.

Fulgent Genetics
Classification: Likely benign for Stickler syndrome type 1; Multiple epiphyseal dysplasia, Beighton type; Legg-Calve-Perthes disease; Platyspondylic dysplasia, Torrance type; Kniest dysplasia; Spondyloepiphyseal dysplasia congenita; Spondyloepimetaphyseal dysplasia, Strudwick type; Spondylometaphyseal dysplasia - Sutcliffe type; Achondrogenesis type II; Spondyloperipheral dysplasia; Namaqualand hip dysplasia; Avascular necrosis of femoral head, primary, 1; Spondyloepiphyseal dysplasia with metatarsal shortening; Stickler syndrome, type I, nonsyndromic ocular; Spondyloepiphyseal dysplasia, Stanescu type; Vitreoretinopathy with phalangeal epiphyseal dysplasia. Last evaluated: 2021-09-16. Review status: criteria provided, single submitter. Criteria: ACMG Guidelines, 2015. Collection method: clinical testing. Allele origin: unknown.

Genome Diagnostics Laboratory, The Hospital for Sick Children
Classification: Likely benign for Connective tissue disorder. Last evaluated: 2020-06-01. Review status: criteria provided, single submitter. Criteria: ACMG Guidelines, 2015. Collection method: clinical testing. Allele origin: germline.

Athena Diagnostics
Classification: Benign. Last evaluated: 2019-07-16. Review status: criteria provided, single submitter. Criteria: Athena Diagnostics Criteria. Collection method: clinical testing. Allele origin: germline.

Center for Human Genetics, Inc
Classification: Likely benign for Connective tissue disorder. Last evaluated: 2018-06-01. Review status: criteria provided, single submitter. Criteria: ACMG Guidelines, 2015. Collection method: clinical testing. Allele origin: germline. Affected: yes.

Illumina Laboratory Services, Illumina
Classification: Benign for Type II Collagenopathies. Last evaluated: 2018-01-13. Review status: criteria provided, single submitter. Criteria: ICSL Variant Classification Criteria 13 December 2019. Collection method: clinical testing. Allele origin: germline.
Comment: This variant was observed in the ICSL laboratory as part of a predisposition screen in an ostensibly healthy population. It had not been previously curated by ICSL or reported in the Human Gene Mutation Database (HGMD: prior to June 1st, 2018), and was therefore a candidate for classification through an automated scoring system. Utilizing variant allele frequency, disease prevalence and penetrance estimates, and inheritance mode, an automated score was calculated to assess if this variant is too frequent to cause the disease. Based on the score and internal cut-off values, a variant classified as benign is not then subjected to further curation. The score for this variant resulted in a classification of benign for this disease.

Illumina Laboratory Services, Illumina
Classification: Likely benign for Stickler syndrome type 1. Last evaluated: 2018-01-13. Review status: criteria provided, single submitter. Criteria: ICSL Variant Classification Criteria 13 December 2019. Collection method: clinical testing. Allele origin: germline.
Comment: This variant was observed in the ICSL laboratory as part of a predisposition screen in an ostensibly healthy population. It had not been previously curated by ICSL or reported in the Human Gene Mutation Database (HGMD: prior to June 1st, 2018), and was therefore a candidate for classification through an automated scoring system. Utilizing variant allele frequency, disease prevalence and penetrance estimates, and inheritance mode, an automated score was calculated to assess if this variant is too frequent to cause the disease. Based on the score and internal cut-off values, a variant classified as likely benign is not then subjected to further curation. The score for this variant resulted in a classification of likely benign for this disease.

GeneDx
Classification: Benign. Last evaluated: 2016-11-18. Review status: criteria provided, single submitter. Criteria: GeneDx Variant Classification (06012015). Collection method: clinical testing. Allele origin: germline. Affected: yes.
Comment: This variant is considered likely benign or benign based on one or more of the following criteria: it is a conservative change, it occurs at a poorly conserved position in the protein, it is predicted to be benign by multiple in silico algorithms, and/or has population frequency not consistent with disease.

Eurofins Ntd Llc (ga)
Classification: Benign. Last evaluated: 2015-07-21. Review status: criteria provided, single submitter. Criteria: EGL Classification Definitions 2015. Collection method: clinical testing. Allele origin: germline. Observed: 3 variant alleles, 3 heterozygotes.

Breakthrough Genomics
Classification: Likely benign. Review status: criteria provided, single submitter. Criteria: ACMG Guidelines, 2015. Collection method: not provided. Allele origin: germline. Inheritance: Autosomal dominant inheritance. Affected: yes.

PreventionGenetics, part of Exact Sciences
Classification: Benign for COL2A1-related condition. Last evaluated: 2019-11-20. Review status: no assertion criteria provided. Collection method: clinical testing. Allele origin: germline. Not counted in ClinVar's aggregate classification.
Comment: This variant is classified as benign based on ACMG/AMP sequence variant interpretation guidelines (Richards et al. 2015 PMID: 25741868, with internal and published modifications).

Clinical Genetics DNA and cytogenetics Diagnostics Lab, Erasmus MC, Erasmus Medical Center
Classification: Likely benign. Review status: no assertion criteria provided. Collection method: clinical testing. Allele origin: germline. Affected: yes. Study: VKGL Data-share Consensus. Not counted in ClinVar's aggregate classification.

Clinical Genetics, Academic Medical Center
Classification: Likely benign. Review status: no assertion criteria provided. Collection method: clinical testing. Allele origin: germline. Affected: yes. Study: VKGL Data-share Consensus. Not counted in ClinVar's aggregate classification.

Genome Diagnostics Laboratory, Amsterdam University Medical Center
Classification: Benign. Review status: no assertion criteria provided. Collection method: clinical testing. Allele origin: germline. Affected: yes. Study: VKGL Data-share Consensus. Not counted in ClinVar's aggregate classification.

Joint Genome Diagnostic Labs from Nijmegen and Maastricht, Radboudumc and MUMC+
Classification: Likely benign. Review status: no assertion criteria provided. Collection method: clinical testing. Allele origin: germline. Affected: yes. Study: VKGL Data-share Consensus. Not counted in ClinVar's aggregate classification.

Literature cited by the submitters: PubMed 18276201 (cited by Athena Diagnostics and Eurofins Ntd Llc (ga)).